The following is an entry in ClinVar:

NM_001943.5(DSG2):c.1448G>A (p.Gly483Asp)

Gene: DSG2 (desmoglein 2; plus strand). Cytogenetic location: 18q12.1.
Variant type: single nucleotide variant.
Coding change: c.1448G>A on transcript NM_001943.5 (MANE Select); coding-DNA position 1448, G replaced by A.
Protein change: p.Gly483Asp; replaces glycine 483 with aspartic acid.
Molecular consequence: missense variant.
Genome position (GRCh38, 1-based): chr18:31,536,226, G>A. VCF-style: chr18-31536226-G-A. GRCh37 (hg19) VCF-style: chr18-29116189-G-A.
Other names: short protein forms G483D.
Identifiers: ClinVar variation 1372604 (VCV001372604.8), dbSNP rs2144341363, ClinGen allele CA402141244.

ClinVar aggregate classification (germline): Uncertain significance (1 of 4 stars; one submission).

Conditions:
Arrhythmogenic right ventricular dysplasia 10. Also called: Arrhythmogenic Right Ventricular Dysplasia/Cardiomyopathy10; ARRHYTHMOGENIC RIGHT VENTRICULAR DYSPLASIA, FAMILIAL, 10; Arrhythmogenic right ventricular dysplasia/cardiomyopathy, type 10. Identifiers: MedGen C1857777, MONDO:0012434, OMIM 610193.

Allele frequency attached by ClinVar (database versions not stated): gnomAD exomes 0.00001.
gnomAD v4.1: 6 of 1,613,892 alleles (0.00037%); highest among the groups gnomAD compares: Non-Finnish European, 0.00051%; no homozygotes.

Submission:

Labcorp Genetics (formerly Invitae), Labcorp
Classification: Uncertain significance for Arrhythmogenic right ventricular dysplasia 10. Last evaluated: 2022-01-01. Review status: criteria provided, single submitter. Criteria: Invitae Variant Classification Sherloc (09022015). Collection method: clinical testing. Allele origin: germline.
Comment: This sequence change replaces glycine, which is neutral and non-polar, with aspartic acid, which is acidic and polar, at codon 483 of the DSG2 protein (p.Gly483Asp). This variant is not present in population databases (gnomAD no frequency). In summary, the available evidence is currently insufficient to determine the role of this variant in disease. Therefore, it has been classified as a Variant of Uncertain Significance. Algorithms developed to predict the effect of missense changes on protein structure and function (SIFT, PolyPhen-2, Align-GVGD) all suggest that this variant is likely to be disruptive. This missense change has been observed in individual(s) with arrythmogenic right ventricular cardiomyopathy (PMID: 29178656).

Literature cited by the submitters: PubMed 29178656.